The following is an entry in ClinVar:

NM_000101.4(CYBA):c.288-19C>G

Gene: CYBA (cytochrome b-245 alpha chain; minus strand). Cytogenetic location: 16q24.2.
Variant type: single nucleotide variant.
Coding change: c.288-19C>G on transcript NM_000101.4 (MANE Select); 19 bases into the intron before coding-DNA position 288, C replaced by G.
Molecular consequence: intron variant.
Genome position (GRCh38, 1-based): chr16:88,646,216, G>C on the plus strand (C>G on the coding strand, the complement: CYBA is on the minus strand). VCF-style: chr16-88646216-G-C. GRCh37 (hg19) VCF-style: chr16-88712624-G-C.
Identifiers: ClinVar variation 3054313 (VCV003054313.2), dbSNP rs1473498025, ClinGen allele CA624184043.
Genomic context (GRCh38, chr16:88,646,216, plus strand): 5'-CCAAGGATGGTGGCCAGCAGGAAGCCGGCGGGCACCGAGAGCCTGGGGGACAGCGGGTGA[G>C]AGGCAGGGACACAGAAGGGCACTCAGAAAGGGGAACGGAGCCCCAGGTCTGGGGGCCAAG-3'

ClinVar aggregate classification (germline): Likely benign (0 of 4 stars; one submission).

Conditions:
CYBA-related disorder. Also called: CYBA-related condition.

Allele frequency attached by ClinVar (database versions not stated): gnomAD 0.00002.
gnomAD v4.1: 8 of 1,350,230 alleles (0.00059%); highest among the groups gnomAD compares: Non-Finnish European, 0.00077%; no homozygotes.

Submission:

PreventionGenetics, part of Exact Sciences
Classification: Likely benign for CYBA-related condition. Last evaluated: 2023-08-17. Review status: no assertion criteria provided. Collection method: clinical testing. Allele origin: germline.
Comment: This variant is classified as likely benign based on ACMG/AMP sequence variant interpretation guidelines (Richards et al. 2015 PMID: 25741868, with internal and published modifications).